The following is an entry in ClinVar:

NM_138576.4(BCL11B):c.1914C>G (p.Asp638Glu)

Gene: BCL11B (BCL11 transcription factor B; minus strand). Cytogenetic location: 14q32.2.
Variant type: single nucleotide variant.
Coding change: c.1914C>G on transcript NM_138576.4 (MANE Select); coding-DNA position 1914, C replaced by G.
Protein change: p.Asp638Glu; replaces aspartic acid 638 with glutamic acid.
Molecular consequence: missense variant.
Genome position (GRCh38, 1-based): chr14:99,174,922, G>C on the plus strand (C>G on the coding strand, the complement: BCL11B is on the minus strand). VCF-style: chr14-99174922-G-C. GRCh37 (hg19) VCF-style: chr14-99641259-G-C.
Other names: c.1911C>G, p.Asp637Glu (NM_001282237.2); c.1698C>G, p.Asp566Glu (NM_001282238.2); c.1701C>G, p.Asp567Glu (NM_022898.3); short protein forms D566E, D637E, D638E, D567E.
Identifiers: ClinVar variation 3683821 (VCV003683821.2).

ClinVar aggregate classification (germline): Uncertain significance (1 of 4 stars; one submission).

gnomAD v4.1: 1 of 1,242,896 alleles (0.00008%); no homozygotes.

Submission:

Labcorp Genetics (formerly Invitae), Labcorp
Classification: Uncertain significance. Last evaluated: 2025-02-23. Review status: criteria provided, single submitter. Criteria: Invitae Variant Classification Sherloc (09022015). Collection method: clinical testing. Allele origin: germline.
Comment: This sequence change replaces aspartic acid, which is acidic and polar, with glutamic acid, which is acidic and polar, at codon 638 of the BCL11B protein (p.Asp638Glu). The frequency data for this variant in the population databases is considered unreliable, as metrics indicate insufficient coverage at this position in the gnomAD database. This variant has not been reported in the literature in individuals affected with BCL11B-related conditions. Invitae Evidence Modeling of protein sequence and biophysical properties (such as structural, functional, and spatial information, amino acid conservation, physicochemical variation, residue mobility, and thermodynamic stability) indicates that this missense variant is not expected to disrupt BCL11B protein function with a negative predictive value of 95%. In summary, the available evidence is currently insufficient to determine the role of this variant in disease. Therefore, it has been classified as a Variant of Uncertain Significance.